The following is an entry in ClinVar:

NM_001148.6(ANK2):c.3055C>T (p.Pro1019Ser)

Gene: ANK2 (ankyrin 2; plus strand). Cytogenetic location: 4q26.
Variant type: single nucleotide variant.
Coding change: c.3055C>T on transcript NM_001148.6 (MANE Select); coding-DNA position 3055, C replaced by T.
Protein change: p.Pro1019Ser; replaces proline 1019 with serine.
Molecular consequence: missense variant.
Genome position (GRCh38, 1-based): chr4:113,330,400, C>T. VCF-style: chr4-113330400-C-T. GRCh37 (hg19) VCF-style: chr4-114251556-C-T.
Other names: c.3028C>T, p.Pro1010Ser (NM_001127493.3); c.3067C>T, p.Pro1023Ser (NM_001354225.2); c.3055C>T, p.Pro1019Ser (NM_001354228.2, NM_001354258.2, NM_020977.5); c.3133C>T, p.Pro1045Ser (NM_001354230.2, NM_001354237.2); c.3097C>T, p.Pro1033Ser (NM_001354231.2, NM_001354242.2); c.3091C>T, p.Pro1031Ser (NM_001354232.2); c.3052C>T, p.Pro1018Ser (NM_001354235.2, NM_001354236.2, NM_001354246.2 and 1 more transcripts); c.3025C>T, p.Pro1009Ser (NM_001354239.2, NM_001354252.2, NM_001354272.2); and 23 more; short protein forms P1000S, P1002S, P1005S, P1007S, P1009S, P1010S, P1014S, P1018S.
Identifiers: ClinVar variation 4071615 (VCV004071615.1).

ClinVar aggregate classification (germline): Uncertain significance (1 of 4 stars; one submission).

Submission:

GeneDx
Classification: Uncertain significance. Last evaluated: 2025-01-16. Review status: criteria provided, single submitter. Criteria: GeneDx Variant Classification Process June 2021. Collection method: clinical testing. Allele origin: germline. Affected: yes.
Comment: Not observed at significant frequency in large population cohorts (gnomAD); In silico analysis supports that this missense variant has a deleterious effect on protein structure/function; Has not been previously published as pathogenic or benign to our knowledge